The following is an entry in ClinVar:

ClinVar aggregate classification (germline): Uncertain significance (1 of 4 stars; one submission).

Conditions:
Hypercholesterolemia, autosomal dominant, type B (FHCL2). Also called: APOB-Related Familial Hypercholesterolemia, Autosomal Dominant; Familial Hypercholesterolemia Type B; APOLIPOPROTEIN B-100, FAMILIAL DEFECTIVE; APOLIPOPROTEIN B-100, FAMILIAL LIGAND-DEFECTIVE; HYPERCHOLESTEROLEMIA, FAMILIAL, DUE TO LIGAND-DEFECTIVE APOLIPOPROTEIN B; Hyperlipoproteinemia Type IIb. Identifiers: MedGen C1704417, MONDO:0007751, OMIM 144010.
Familial hypobetalipoproteinemia 1. Also called: Hypobetalipoproteinemia, normotriglyceridemic; Acanthocytosis with hypobetalipoproteinemia; APOB-Related Familial Hypobetalipoproteinemia. Identifiers: MedGen C4551990, MONDO:0014252, OMIM 615558.

Allele frequency attached by ClinVar (database versions not stated): gnomAD exomes below 0.00001; gnomAD 0.00001.
gnomAD v4.1: 3 of 1,331,146 alleles (0.00023%); highest among the groups gnomAD compares: African/African-American, 0.0046%; no homozygotes.

Submission:

Labcorp Genetics (formerly Invitae), Labcorp
Classification: Uncertain significance for Familial hypobetalipoproteinemia 1; Hypercholesterolemia, autosomal dominant, type B. Last evaluated: 2024-01-29. Review status: criteria provided, single submitter. Criteria: Invitae Variant Classification Sherloc (09022015). Collection method: clinical testing. Allele origin: germline.
Comment: This sequence change replaces aspartic acid, which is acidic and polar, with asparagine, which is neutral and polar, at codon 2 of the APOB protein (p.Asp2Asn). This variant is not present in population databases (gnomAD no frequency). This missense change has been observed in individual(s) with clinical features of familial hypercholesterolemia (Invitae). Advanced modeling of protein sequence and biophysical properties (such as structural, functional, and spatial information, amino acid conservation, physicochemical variation, residue mobility, and thermodynamic stability) performed at Invitae indicates that this missense variant is not expected to disrupt APOB protein function with a negative predictive value of 95%. In summary, the available evidence is currently insufficient to determine the role of this variant in disease. Therefore, it has been classified as a Variant of Uncertain Significance.

NM_000384.3(APOB):c.4G>A (p.Asp2Asn)

Genes: APOB (apolipoprotein B; minus strand), LOC106560211 (APOB 5' regulatory region; plus strand). Cytogenetic location: 2p24.1.
Variant type: single nucleotide variant.
Coding change: c.4G>A on transcript NM_000384.3 (MANE Select); coding-DNA position 4, G replaced by A.
Protein change: p.Asp2Asn; replaces aspartic acid 2 with asparagine.
Molecular consequence: missense variant.
Genome position (GRCh38, 1-based): chr2:21,043,942, C>T on the plus strand (G>A on the coding strand, the complement: APOB is on the minus strand). VCF-style: chr2-21043942-C-T. GRCh37 (hg19) VCF-style: chr2-21266814-C-T.
Other names: short protein forms D2N.
Identifiers: ClinVar variation 2926137 (VCV002926137.3), dbSNP rs1664204375, ClinGen allele CA345966497.
Genomic context (GRCh38, chr2:21,043,942, plus strand): 5'-GCAGCAGCAGCAGCAGCGCAGGCAGCGCCAGCAGCGCCAGCAGCGCGGGCCTCGGCGGGT[C>T]CATCGCCAGCTGCGGTGGGGCGGCTCCTGGGCTGCGGCCTGGCCTCGGCCTCGCGGCCCT-3'
Protein context (NP_000375.3, residues 1-12): M[Asp2Asn]PPRPALLALL